The following is an entry in ClinVar:

ClinVar aggregate classification (germline): Uncertain significance (1 of 4 stars; one submission).

Submission:

CeGaT Center for Human Genetics Tuebingen
Classification: Uncertain significance. Last evaluated: 2026-07-01. Review status: criteria provided, single submitter. Criteria: CeGaT Center For Human Genetics Tuebingen Variant Classification Criteria Version 2. Collection method: clinical testing. Allele origin: germline. Affected: yes. Observed: 1 variant allele.
Comment: AUTS2: PM2, BP3

NM_015570.4(AUTS2):c.105_119del (p.Gly37_Gly41del)

Genes: AUTS2 (activator of transcription and developmental regulator AUTS2; plus strand), LOC129998550 (ATAC-STARR-seq lymphoblastoid silent region 18224; plus strand). Cytogenetic location: 7q11.22.
Variant type: Deletion.
Coding change: c.105_119del on transcript NM_015570.4 (MANE Select); coding-DNA positions 105 to 119, 15 bases deleted (CGGCGGCGGCGGGGC).
Protein change: p.Gly37_Gly41del.
Genome position (GRCh38, 1-based): chr7:69,599,758-69,599,772, CGGCGGCGGCGGGGC deleted; deleting any 15 consecutive bases within chr7:69,599,755-69,599,772 gives the same sequence; the c. name uses the placement nearest the transcript's 3' end. VCF-style (leftmost placement, unchanged base first): chr7-69599754-CGGCCGGCGGCGGCGG-C. GRCh37 (hg19) VCF-style: chr7-69064740-CGGCCGGCGGCGGCGG-C.
Other names: c.105_119del, p.Gly37_Gly41del (NM_001127231.3, NM_001127232.3).
Identifiers: ClinVar variation 5040021 (VCV005040021.1).